The following is an entry in ClinVar:

NM_004132.5(HABP2):c.1384C>T (p.Arg462Cys)

Gene: HABP2 (hyaluronan binding protein 2; plus strand). Cytogenetic location: 10q25.3.
Variant type: single nucleotide variant.
Coding change: c.1384C>T on transcript NM_004132.5 (MANE Select); coding-DNA position 1384, C replaced by T.
Protein change: p.Arg462Cys; replaces arginine 462 with cysteine.
Molecular consequence: missense variant.
Genome position (GRCh38, 1-based): chr10:113,585,804, C>T. VCF-style: chr10-113585804-C-T. GRCh37 (hg19) VCF-style: chr10-115345563-C-T.
Other names: c.1306C>T, p.Arg436Cys (NM_001177660.3); c.1384C>T (NM_004132.4); short protein forms R436C, R462C.
Identifiers: ClinVar variation 878027 (VCV000878027.5), dbSNP rs141433300, ClinGen allele CA5694017.

ClinVar aggregate classification (germline): Uncertain significance. Review status: criteria provided, multiple submitters, no conflicts (2 of 4 stars). 2 submissions from 2 submitters: Uncertain significance (2). Last evaluated 2024-11-25.

Conditions:
HABP2-related disorder. Also called: HABP2-related condition.
Factor VII-activating protease marburg I. Identifiers: MedGen CN068943.

Allele frequency attached by ClinVar (database versions not stated): 1000 Genomes Project 0.00040; 1000 Genomes Project 30x 0.00047; gnomAD 0.00056; ExAC 0.00059; gnomAD exomes 0.00060; TOPMed 0.00075; ESP Exome Variant Server 0.00077.
gnomAD v4.1: 1,375 of 1,613,712 alleles (0.085%); highest among the groups gnomAD compares: Non-Finnish European, 0.1%; 1 homozygote.

Submissions (2):

PreventionGenetics, part of Exact Sciences
Classification: Uncertain significance for HABP2-related condition. Last evaluated: 2024-11-25. Review status: criteria provided, single submitter. Criteria: ACMG Guidelines, 2015. Collection method: clinical testing. Allele origin: germline.
Comment: The HABP2 c.1384C>T variant is predicted to result in the amino acid substitution p.Arg462Cys. To our knowledge, this variant has not been reported in the literature. This variant is reported in 0.12% of alleles in individuals of Ashkenazi Jewish descent in gnomAD. At this time, the clinical significance of this variant is uncertain due to the absence of conclusive functional and genetic evidence.

Illumina Laboratory Services, Illumina
Classification: Uncertain significance for Factor VII Marburg I Variant Thrombophilia. Last evaluated: 2018-01-13. Review status: criteria provided, single submitter. Criteria: ICSL Variant Classification Criteria 13 December 2019. Collection method: clinical testing. Allele origin: germline.